The following is an entry in ClinVar:

ClinVar aggregate classification (germline): Likely pathogenic (1 of 4 stars; one submission).

Submission:

Dasa
Classification: Likely pathogenic. Last evaluated: 2025-08-05. Review status: criteria provided, single submitter. Criteria: DASA Assertion Criteria. Collection method: clinical testing. Allele origin: germline.
Comment: NM_015335.5(MED13L):c.4027_4028del (p.Thr1343Glyfs*21) is a frameshift variant in MED13L predicted to alter the reading frame and introduce a premature termination codon and is predicted to result in an absent or altered protein product. Loss of function is an established disease mechanism for MED13L (PMID: 24781760; PMID: 25712080; PMID: 25106414). Also, this variant is absent from population databases. Based on the currently available evidence, this variant is classified as likely pathogenic.

Literature cited by the submitters: PubMed 24781760; PubMed 25712080; PubMed 25106414.

NM_015335.5(MED13L):c.4027_4028del (p.Thr1343fs)

Gene: MED13L (mediator complex subunit 13L; minus strand). Cytogenetic location: 12q24.21.
Variant type: Deletion.
Coding change: c.4027_4028del on transcript NM_015335.5 (MANE Select); coding-DNA positions 4027 to 4028, 2 bases deleted (AC; older notation c.4027_4028delAC).
Protein change: p.Thr1343fs; shifts the reading frame from threonine 1343.
Molecular consequence: frameshift variant.
Genome position (GRCh38, 1-based): chr12:115,987,195-115,987,196, GT deleted on the plus strand (AC on the coding strand, the reverse complement: MED13L is on the minus strand); deleting any 2 consecutive bases within chr12:115,987,195-115,987,197 gives the same sequence; the c. name uses the placement nearest the transcript's 3' end. VCF-style (leftmost placement, unchanged base first): chr12-115987194-CGT-C. GRCh37 (hg19) VCF-style: chr12-116424999-CGT-C.
Other names: short protein forms T1343fs.
Identifiers: ClinVar variation 4886543 (VCV004886543.2).